The following is an entry in ClinVar:

NM_003718.5(CDK13):c.3643T>C (p.Ser1215Pro)

Gene: CDK13 (cyclin dependent kinase 13; plus strand). Cytogenetic location: 7p14.1.
Variant type: single nucleotide variant.
Coding change: c.3643T>C on transcript NM_003718.5 (MANE Select); coding-DNA position 3643, T replaced by C.
Protein change: p.Ser1215Pro; replaces serine 1215 with proline.
Molecular consequence: missense variant.
Genome position (GRCh38, 1-based): chr7:40,093,192, T>C. VCF-style: chr7-40093192-T-C. GRCh37 (hg19) VCF-style: chr7-40132791-T-C.
Other names: c.3463T>C, p.Ser1155Pro (NM_031267.4); short protein forms S1155P, S1215P.
Identifiers: ClinVar variation 3363834 (VCV003363834.1).

ClinVar aggregate classification (germline): Uncertain significance (1 of 4 stars; one submission).

Submission:

GeneDx
Classification: Uncertain significance. Last evaluated: 2023-11-11. Review status: criteria provided, single submitter. Criteria: GeneDx Variant Classification Process June 2021. Collection method: clinical testing. Allele origin: germline. Affected: yes.
Comment: Not observed at significant frequency in large population cohorts (gnomAD); In silico analysis supports that this missense variant does not alter protein structure/function; Has not been previously published as pathogenic or benign to our knowledge